The following is an entry in ClinVar:

NM_001365276.2(TNXB):c.9574C>T (p.Arg3192Cys)

Gene: TNXB (tenascin XB; minus strand). Cytogenetic location: 6p21.33.
Variant type: single nucleotide variant.
Coding change: c.9574C>T on transcript NM_001365276.2 (MANE Select); coding-DNA position 9574, C replaced by T.
Protein change: p.Arg3192Cys; replaces arginine 3192 with cysteine.
Molecular consequence: missense variant.
Genome position (GRCh38, 1-based): chr6:32,049,453, G>A on the plus strand (C>T on the coding strand, the complement: TNXB is on the minus strand). VCF-style: chr6-32049453-G-A. GRCh37 (hg19) VCF-style: chr6-32017230-G-A.
Other names: c.9568C>T, p.Arg3190Cys (NM_019105.8); short protein forms R3190C, R3192C.
Identifiers: ClinVar variation 2560885 (VCV002560885.3), dbSNP rs766906496, ClinGen allele CA363539011.

ClinVar aggregate classification (germline): Uncertain significance. Review status: criteria provided, multiple submitters, no conflicts (2 of 4 stars). 2 submissions from 2 submitters: Uncertain significance (2). Last evaluated 2025-02-04.

Conditions:
Cardiovascular phenotype. Identifiers: MedGen CN230736.

Allele frequency attached by ClinVar (database versions not stated): TOPMed below 0.00001.
gnomAD v4.1: 12 of 1,612,708 alleles (0.00074%); highest among the groups gnomAD compares: Non-Finnish European, 0.00085%; no homozygotes.

Submissions (2):

GeneDx
Classification: Uncertain significance. Last evaluated: 2025-02-04. Review status: criteria provided, single submitter. Criteria: GeneDx Variant Classification Process June 2021. Collection method: clinical testing. Allele origin: germline. Affected: yes.
Comment: Not observed at significant frequency in large population cohorts (gnomAD); In silico analysis supports that this missense variant has a deleterious effect on protein structure/function; Has not been previously published as pathogenic or benign to our knowledge

Ambry Genetics
Classification: Uncertain significance for Cardiovascular phenotype. Last evaluated: 2023-06-14. Review status: criteria provided, single submitter. Criteria: Ambry Variant Classification Scheme 2023. Collection method: clinical testing. Allele origin: germline.
Comment: The p.R3190C variant (also known as c.9568C>T), located in coding exon 27 of the TNXB gene, results from a C to T substitution at nucleotide position 9568. The arginine at codon 3190 is replaced by cysteine, an amino acid with highly dissimilar properties. This amino acid position is conserved. In addition, this alteration is predicted to be tolerated by in silico analysis. Since supporting evidence is limited at this time, the clinical significance of this alteration remains unclear.